The following is an entry in ClinVar:

NM_004186.5(SEMA3F):c.992G>T (p.Gly331Val)

Gene: SEMA3F (semaphorin 3F; plus strand). Cytogenetic location: 3p21.31.
Variant type: single nucleotide variant.
Coding change: c.992G>T on transcript NM_004186.5 (MANE Select); coding-DNA position 992, G replaced by T.
Protein change: p.Gly331Val; replaces glycine 331 with valine.
Molecular consequence: missense variant.
Genome position (GRCh38, 1-based): chr3:50,182,992, G>T. VCF-style: chr3-50182992-G-T. GRCh37 (hg19) VCF-style: chr3-50220425-G-T.
Other names: c.695G>T, p.Gly232Val (NM_001318798.2); c.899G>T, p.Gly300Val (NM_001318800.2); short protein forms G331V, G232V, G300V.
Identifiers: ClinVar variation 4999154 (VCV004999154.1).
Genomic context (GRCh38, chr3:50,182,992, plus strand): 5'-TCAACAAGTGGAGCACATTCCTGAAGGCGCGGCTCGTCTGCTCTGTCCCGGGCGAGGATG[G>T]CATTGAGACTCACTTTGATGAGCTCCGTGAGTGCCCAGCAGGCAGGCAGGGTGCTCTGGC-3'
Protein context (NP_004177.3, residues 321-341): RLVCSVPGED[Gly331Val]IETHFDELQD

ClinVar aggregate classification (germline): Uncertain significance (1 of 4 stars; one submission).

Conditions:
SEMA3F-related disorder. Also called: SEMA3F-related condition.

Submission:

PreventionGenetics, part of Exact Sciences
Classification: Uncertain significance for SEMA3F-related condition. Last evaluated: 2024-10-10. Review status: criteria provided, single submitter. Criteria: ACMG Guidelines, 2015. Collection method: clinical testing. Allele origin: germline.
Comment: The SEMA3F c.992G>T variant is predicted to result in the amino acid substitution p.Gly331Val. To our knowledge, this variant has not been reported in the literature or in a large population database (gnomAD), indicating this variant is rare. At this time, the clinical significance of this variant is uncertain due to the absence of conclusive functional and genetic evidence.